The following is an entry in ClinVar:

NM_004706.4(ARHGEF1):c.674A>G (p.Tyr225Cys)

Gene: ARHGEF1 (Rho guanine nucleotide exchange factor 1; plus strand). Cytogenetic location: 19q13.2.
Variant type: single nucleotide variant.
Coding change: c.674A>G on transcript NM_004706.4 (MANE Select); coding-DNA position 674, A replaced by G.
Protein change: p.Tyr225Cys; replaces tyrosine 225 with cysteine.
Molecular consequence: missense variant. On other transcripts: non-coding transcript variant (2).
Genome position (GRCh38, 1-based): chr19:41,894,236, A>G. VCF-style: chr19-41894236-A-G. GRCh37 (hg19) VCF-style: chr19-42398309-A-G.
Other names: c.575A>G, p.Tyr192Cys (NM_001396004.1, NM_198977.2, NM_001396002.1); c.674A>G, p.Tyr225Cys (NM_001396006.1, NM_001396000.1, NM_001396003.1); c.719A>G, p.Tyr240Cys (NM_199002.2); short protein forms Y192C, Y225C, Y240C.
Identifiers: ClinVar variation 3606055 (VCV003606055.2).

ClinVar aggregate classification (germline): Uncertain significance (1 of 4 stars; one submission).

gnomAD v4.1: 5 of 1,557,558 alleles (0.00032%); highest among the groups gnomAD compares: Middle Eastern, 0.017%; no homozygotes.

Submission:

Labcorp Genetics (formerly Invitae), Labcorp
Classification: Uncertain significance. Last evaluated: 2024-08-14. Review status: criteria provided, single submitter. Criteria: Invitae Variant Classification Sherloc (09022015). Collection method: clinical testing. Allele origin: germline.
Comment: This sequence change replaces tyrosine, which is neutral and polar, with cysteine, which is neutral and slightly polar, at codon 240 of the ARHGEF1 protein (p.Tyr240Cys). This variant is not present in population databases (gnomAD no frequency). This missense change has been observed in individual(s) with transposition of the great arteries (PMID: 35885997). This variant is also known as 19_41894236_41894236_A/G. An algorithm developed to predict the effect of missense changes on protein structure and function (PolyPhen-2) suggests that this variant is likely to be disruptive. In summary, the available evidence is currently insufficient to determine the role of this variant in disease. Therefore, it has been classified as a Variant of Uncertain Significance.

Literature cited by the submitters: PubMed 35885997.